The following is an entry in ClinVar:

NM_013266.4(CTNNA3):c.478T>A (p.Ser160Thr)

Gene: CTNNA3 (catenin alpha 3; minus strand). Cytogenetic location: 10q21.3.
Variant type: single nucleotide variant.
Coding change: c.478T>A on transcript NM_013266.4 (MANE Select); coding-DNA position 478, T replaced by A.
Protein change: p.Ser160Thr; replaces serine 160 with threonine.
Molecular consequence: missense variant.
Genome position (GRCh38, 1-based): chr10:67,521,943, A>T on the plus strand (T>A on the coding strand, the complement: CTNNA3 is on the minus strand). VCF-style: chr10-67521943-A-T. GRCh37 (hg19) VCF-style: chr10-69281701-A-T.
Other names: c.478T>A, p.Ser160Thr (NM_001127384.3); c.514T>A, p.Ser172Thr (NM_001291133.2); short protein forms S160T, S172T.
Identifiers: ClinVar variation 240872 (VCV000240872.28), dbSNP rs61749223, ClinGen allele CA5520598.
Genomic context (GRCh38, chr10:67,521,943, plus strand): 5'-CCTTCCCAAGCTTCTGGTAGGTTTTCTGGAGGTCAGATTTGTTGGCAACATTTTTGAGAG[A>T]CTCAAATGTCCTTTGAAACTGAAATTGAAAACAAAAGTAGATCATTAGGATAGCAGCAGA-3'
Protein context (NP_037398.2, residues 150-170): HVSAFQRTFE[Ser160Thr]LKNVANKSDL

ClinVar aggregate classification (germline): Benign/Likely benign. Review status: criteria provided, multiple submitters, no conflicts (2 of 4 stars). 10 submissions from 10 submitters: Benign (4); Likely benign (2). 4 of the submissions do not count toward it. Last evaluated 2026-02-03.

Conditions:
Arrhythmogenic right ventricular dysplasia 13. Also called: ARRHYTHMOGENIC RIGHT VENTRICULAR CARDIOMYOPATHY 13; Arrhythmogenic right ventricular dysplasia, familial, 13. Identifiers: MedGen C3810138, MONDO:0000908, OMIM 615616.

Allele frequency attached by ClinVar (database versions not stated): 1000 Genomes Project 0.01138; 1000 Genomes Project 30x 0.01156; TOPMed 0.01707; ESP Exome Variant Server 0.01768; gnomAD 0.01916 and 0.01979; ExAC 0.02262; gnomAD exomes 0.02324 and 0.02498.
gnomAD v4.1: 39,428 of 1,612,254 alleles (2.4%); highest among the groups gnomAD compares: South Asian, 4.1%; 600 homozygotes.

Submissions (10):

Labcorp Genetics (formerly Invitae), Labcorp
Classification: Benign for Arrhythmogenic right ventricular dysplasia 13. Last evaluated: 2026-02-03. Review status: criteria provided, single submitter. Criteria: Invitae Variant Classification Sherloc (09022015). Collection method: clinical testing. Allele origin: germline.

CeGaT Center for Human Genetics Tuebingen
Classification: Benign. Last evaluated: 2025-07-01. Review status: criteria provided, single submitter. Criteria: CeGaT Center For Human Genetics Tuebingen Variant Classification Criteria Version 2. Collection method: clinical testing. Allele origin: germline. Affected: yes. Observed: 1 variant allele.
Comment: CTNNA3: BS1, BS2

Blueprint Genetics
Classification: Likely benign. Last evaluated: 2024-11-27. Review status: criteria provided, single submitter. Criteria: ACMG Guidelines, 2015. Collection method: clinical testing. Allele origin: germline.

Women's Health and Genetics/Laboratory Corporation of America, LabCorp
Classification: Likely benign. Last evaluated: 2023-04-09. Review status: criteria provided, single submitter. Criteria: LabCorp Variant Classification Summary - May 2015. Collection method: clinical testing. Allele origin: germline.

GeneDx
Classification: Benign. Last evaluated: 2019-02-13. Review status: criteria provided, single submitter. Criteria: GeneDx Variant Classification Process June 2021. Collection method: clinical testing. Allele origin: germline. Affected: yes.
Comment: This variant is associated with the following publications: (PMID: 29767709)

Breakthrough Genomics
Classification: Benign. Review status: criteria provided, single submitter. Criteria: ACMG Guidelines, 2015. Collection method: not provided. Allele origin: germline. Inheritance: Autosomal dominant inheritance. Affected: yes.

Clinical Genetics DNA and cytogenetics Diagnostics Lab, Erasmus MC, Erasmus Medical Center
Classification: Benign. Review status: no assertion criteria provided. Collection method: clinical testing. Allele origin: germline. Affected: yes. Study: VKGL Data-share Consensus. Not counted in ClinVar's aggregate classification.

Clinical Genetics, Academic Medical Center
Classification: Benign. Review status: no assertion criteria provided. Collection method: clinical testing. Allele origin: germline. Affected: yes. Study: VKGL Data-share Consensus. Not counted in ClinVar's aggregate classification.

Genome Diagnostics Laboratory, University Medical Center Utrecht
Classification: Benign. Review status: no assertion criteria provided. Collection method: clinical testing. Allele origin: germline. Affected: yes. Study: VKGL Data-share Consensus. Not counted in ClinVar's aggregate classification.

Joint Genome Diagnostic Labs from Nijmegen and Maastricht, Radboudumc and MUMC+
Classification: Benign. Review status: no assertion criteria provided. Collection method: clinical testing. Allele origin: germline. Affected: yes. Study: VKGL Data-share Consensus. Not counted in ClinVar's aggregate classification.